The following is an entry in ClinVar:

NM_000258.3(MYL3):c.251G>A (p.Gly84Asp)

Gene: MYL3 (myosin light chain 3; minus strand). Cytogenetic location: 3p21.31.
Variant type: single nucleotide variant.
Coding change: c.251G>A on transcript NM_000258.3 (MANE Select); coding-DNA position 251, G replaced by A.
Protein change: p.Gly84Asp; replaces glycine 84 with aspartic acid.
Molecular consequence: missense variant.
Genome position (GRCh38, 1-based): chr3:46,860,732, C>T on the plus strand (G>A on the coding strand, the complement: MYL3 is on the minus strand). VCF-style: chr3-46860732-C-T. GRCh37 (hg19) VCF-style: chr3-46902222-C-T.
Other names: c.251G>A, p.Gly84Asp (NM_001406937.1, NM_001406938.1, NM_001406939.1); c.77G>A, p.Gly26Asp (NM_001406940.1, NM_001406941.1); short protein forms G26D, G84D.
Identifiers: ClinVar variation 3387381 (VCV003387381.1).
Genomic context (GRCh38, chr3:46,860,732, plus strand): 5'-CTACCTTCCTGTCTTGGCTTCCCCAGGACACGGAGCACTTCTGCCTGTGTGGGGTTCTGG[C>T]CCAGCGCCCGCAGGACATCCCCACACTGCCCGTAGGTGATCTTCATCTCACACTTGGGTG-3'
Protein context (NP_000249.1, residues 74-94): GQCGDVLRAL[Gly84Asp]QNPTQAEVLR

ClinVar aggregate classification (germline): Uncertain significance (1 of 4 stars; one submission).

Conditions:
Hypertrophic cardiomyopathy. Also called: HYPERTROPHIC MYOCARDIOPATHY. Identifiers: Orphanet 217569, MedGen C0007194, MeSH D002312, MONDO:0005045, HP:0001639.

gnomAD v4.1: 1 of 1,614,104 alleles (0.000062%); highest among the groups gnomAD compares: African/African-American, 0.0013%; no homozygotes.

Submission:

All of Us Research Program, National Institutes of Health
Classification: Uncertain significance for Hypertrophic cardiomyopathy. Last evaluated: 2024-07-20. Review status: criteria provided, single submitter. Criteria: ACMG Guidelines, 2015. Collection method: clinical testing. Allele origin: germline. Inheritance: Autosomal dominant inheritance. Observed: 1 variant allele, 1 heterozygote.
Comment: This missense variant replaces glycine with aspartic acid at codon 84 of the MYL3 protein. Computational prediction suggests that this variant may have deleterious impact on protein structure and function (internally defined REVEL score threshold >= 0.7, PMID: 27666373). To our knowledge, functional studies have not been reported for this variant. This variant has not been reported in individuals affected with MYL3-related disorders in the literature. This variant has not been identified in the general population by the Genome Aggregation Database (gnomAD). The available evidence is insufficient to determine the role of this variant in disease conclusively. Therefore, this variant is classified as a Variant of Uncertain Significance.

This study involves interpretation of variants in research participants for the purpose of population health screening. Participant phenotype was not available at the time of variant classification. Additional details can be found in publication PMID: 35346344, PMCID: PMC8962531